The following is an entry in ClinVar:

ClinVar aggregate classification (germline): Benign. Review status: criteria provided, multiple submitters, no conflicts (2 of 4 stars). 9 submissions from 7 submitters: Benign (9). Last evaluated 2026-02-04.

Conditions:
Ehlers-Danlos syndrome, arthrochalasia type. Also called: Ehlers-Danlos syndrome, arthrochalasis type; EDS VII, MUTANT PROCOLLAGEN TYPE; EDS VIIA; Ehlers-Danlos syndrome, arthrochalasia type, 1; ARTHROCHALASIS MULTIPLEX CONGENITA. Identifiers: Orphanet 1899, Orphanet 99875, Orphanet 99876, MedGen C4551623, MONDO:0007525, OMIM 130060.
Infantile cortical hyperostosis. Also called: Caffey Disease; P1PK BLOOD GROUP SYSTEM, P(2) PHENOTYPE; Hyperostosis, Cortical, Congenital. Identifiers: Orphanet 1310, MedGen C0020497, MONDO:0007244, OMIM 114000.
Osteogenesis imperfecta (OI). Identifiers: Orphanet 666, MedGen C0029434, MeSH D010013, MONDO:0019019.
Osteogenesis imperfecta type I (OI1). Also called: OI, TYPE I; OSTEOGENESIS IMPERFECTA TARDA; OSTEOGENESIS IMPERFECTA WITH BLUE SCLERAE; Osteogenesis imperfecta type 1; Lobstein's Disease; Lobstein disease. Identifiers: Orphanet 216796, Orphanet 666, MedGen C0023931, MONDO:0008146, OMIM 166200. Disease mechanism: loss of function.

Allele frequency attached by ClinVar (database versions not stated): 1000 Genomes Project 0.03934; 1000 Genomes Project 30x 0.04169; gnomAD 0.07530 and 0.07746; ExAC 0.07677; gnomAD exomes 0.07819 and 0.10483; TOPMed 0.07941; ESP Exome Variant Server 0.08980.
gnomAD v4.1: 164,701 of 1,614,024 alleles (10%); highest among the groups gnomAD compares: Middle Eastern, 15%; 9,749 homozygotes.

Submissions (15):

Labcorp Genetics (formerly Invitae), Labcorp
Classification: Benign for Osteogenesis imperfecta type I. Last evaluated: 2026-02-04. Review status: criteria provided, single submitter. Criteria: Invitae Variant Classification Sherloc (09022015). Collection method: clinical testing. Allele origin: germline.

Blueprint Genetics
Classification: Benign. Last evaluated: 2024-11-28. Review status: criteria provided, single submitter. Criteria: ACMG Guidelines, 2015. Collection method: clinical testing. Allele origin: germline.

Illumina Laboratory Services, Illumina
Classification: Benign for Ehlers-Danlos syndrome, arthrochalasia type. Last evaluated: 2018-01-12. Review status: criteria provided, single submitter. Criteria: ICSL Variant Classification Criteria 13 December 2019. Collection method: clinical testing. Allele origin: germline.
Comment: This variant was observed in the ICSL laboratory as part of a predisposition screen in an ostensibly healthy population. It had not been previously curated by ICSL or reported in the Human Gene Mutation Database (HGMD: prior to June 1st, 2018), and was therefore a candidate for classification through an automated scoring system. Utilizing variant allele frequency, disease prevalence and penetrance estimates, and inheritance mode, an automated score was calculated to assess if this variant is too frequent to cause the disease. Based on the score and internal cut-off values, a variant classified as benign is not then subjected to further curation. The score for this variant resulted in a classification of benign for this disease.

Illumina Laboratory Services, Illumina
Classification: Benign for Infantile cortical hyperostosis. Last evaluated: 2018-01-12. Review status: criteria provided, single submitter. Criteria: ICSL Variant Classification Criteria 13 December 2019. Collection method: clinical testing. Allele origin: germline.
Comment: the same text as in the submission from Illumina Laboratory Services, Illumina above.

Illumina Laboratory Services, Illumina
Classification: Benign for Osteogenesis imperfecta. Last evaluated: 2018-01-12. Review status: criteria provided, single submitter. Criteria: ICSL Variant Classification Criteria 13 December 2019. Collection method: clinical testing. Allele origin: germline.
Comment: the same text as in the submission from Illumina Laboratory Services, Illumina above.

Athena Diagnostics
Classification: Benign. Last evaluated: 2017-07-26. Review status: criteria provided, single submitter. Criteria: Athena Diagnostics Criteria. Collection method: clinical testing. Allele origin: germline.

GeneDx
Classification: Benign. Last evaluated: 2016-03-03. Review status: criteria provided, single submitter. Criteria: GeneDx Variant Classification (06012015). Collection method: clinical testing. Allele origin: germline. Affected: yes.
Comment: This variant is considered likely benign or benign based on one or more of the following criteria: it is a conservative change, it occurs at a poorly conserved position in the protein, it is predicted to be benign by multiple in silico algorithms, and/or has population frequency not consistent with disease.

Breakthrough Genomics
Classification: Benign. Review status: criteria provided, single submitter. Criteria: ACMG Guidelines, 2015. Collection method: not provided. Allele origin: germline. Inheritance: Autosomal dominant inheritance. Affected: yes.

PreventionGenetics, part of Exact Sciences
Classification: Benign. Review status: criteria provided, single submitter. Criteria: ACMG Guidelines, 2015. Collection method: clinical testing. Allele origin: germline.

Dr. Peter K. Rogan Lab, Western University
No classification provided (evidence only). Condition: Squamous cell carcinoma of the head and neck. Review status: no classification provided. Collection method: in vitro. Allele origin: not applicable. Functional consequence: retained intron. Not counted in ClinVar's aggregate classification.

Dr. Peter K. Rogan Lab, Western University
No classification provided (evidence only). Condition: Uterine carcinosarcoma. Review status: no classification provided. Collection method: in vitro. Allele origin: not applicable. Functional consequence: retained intron. Not counted in ClinVar's aggregate classification.

Dr. Peter K. Rogan Lab, Western University
No classification provided (evidence only). Condition: Uterine carcinosarcoma. Review status: no classification provided. Collection method: in vitro. Allele origin: not applicable. Functional consequence: retained intron. Not counted in ClinVar's aggregate classification.

Dr. Peter K. Rogan Lab, Western University
No classification provided (evidence only). Condition: Uterine carcinosarcoma. Review status: no classification provided. Collection method: in vitro. Allele origin: not applicable. Functional consequence: retained intron. Not counted in ClinVar's aggregate classification.

Dr. Peter K. Rogan Lab, Western University
No classification provided (evidence only). Condition: Uterine carcinosarcoma. Review status: no classification provided. Collection method: in vitro. Allele origin: not applicable. Functional consequence: retained intron. Not counted in ClinVar's aggregate classification.

Dr. Peter K. Rogan Lab, Western University
No classification provided (evidence only). Condition: Uterine carcinosarcoma. Review status: no classification provided. Collection method: in vitro. Allele origin: not applicable. Functional consequence: retained intron. Not counted in ClinVar's aggregate classification.

NM_000088.4(COL1A1):c.859-14T>G

Genes: COL1A1 (collagen type I alpha 1 chain; minus strand), LOC126862586 (CDK7 strongly-dependent group 2 enhancer GRCh37_chr17:48273702-48274901; plus strand). Cytogenetic location: 17q21.33.
Variant type: single nucleotide variant.
Coding change: c.859-14T>G on transcript NM_000088.4 (MANE Select); 14 bases into the intron before coding-DNA position 859, T replaced by G.
Molecular consequence: intron variant.
Genome position (GRCh38, 1-based): chr17:50,196,542, A>C on the plus strand (T>G on the coding strand, the complement: COL1A1 is on the minus strand). VCF-style: chr17-50196542-A-C. GRCh37 (hg19) VCF-style: chr17-48273903-A-C.
Identifiers: ClinVar variation 254951 (VCV000254951.17), dbSNP rs17639446, ClinGen allele CA8645512.
Genomic context (GRCh38, chr17:50,196,542, plus strand): 5'-ACCATCTGACCAGGAGCTCCATTTTCACCAGGGCTGCCAGGCTCACCCTGTAGATCAGAG[A>C]ATAATGAGTGAGAAATTCATTCATGGTGGGACTCTGGGGATGTGGAGGACCATGATGTTC-3'